The following is an entry in ClinVar:

ClinVar aggregate classification (germline): Likely benign. Review status: criteria provided, multiple submitters, no conflicts (2 of 4 stars). 3 submissions from 3 submitters: Likely benign (3). Last evaluated 2025-08-11.

Conditions:
Developmental and epileptic encephalopathy, 2 (DEE2). Also called: CDKL5 deficiency disorder; INFANTILE SPASM SYNDROME, X-LINKED 2. Identifiers: Orphanet 1934, Orphanet 3451, Orphanet 505652, MedGen C4750718, MONDO:0010396, OMIM 300672.
Angelman syndrome-like. Identifiers: MedGen CN128785.

Allele frequency attached by ClinVar (database versions not stated): gnomAD 0.00001 and 0.00002; gnomAD exomes 0.00001; TOPMed 0.00001.
gnomAD v4.1: 22 of 1,186,987 alleles (0.0019%); highest among the groups gnomAD compares: African/African-American, 0.016%; no homozygotes.

Submissions (3):

Labcorp Genetics (formerly Invitae), Labcorp
Classification: Likely benign for Developmental and epileptic encephalopathy, 2; Angelman syndrome-like. Last evaluated: 2025-08-11. Review status: criteria provided, single submitter. Criteria: Invitae Variant Classification Sherloc (09022015). Collection method: clinical testing. Allele origin: germline.

Blueprint Genetics
Classification: Likely benign. Last evaluated: 2023-07-19. Review status: criteria provided, single submitter. Criteria: ACMG Guidelines, 2015. Collection method: clinical testing. Allele origin: germline.

GeneDx
Classification: Likely benign. Last evaluated: 2017-04-14. Review status: criteria provided, single submitter. Criteria: GeneDx Variant Classification (06012015). Collection method: clinical testing. Allele origin: germline. Affected: yes.
Comment: This variant is considered likely benign or benign based on one or more of the following criteria: it is a conservative change, it occurs at a poorly conserved position in the protein, it is predicted to be benign by multiple in silico algorithms, and/or has population frequency not consistent with disease.

NM_001323289.2(CDKL5):c.65-13C>T

Gene: CDKL5 (cyclin dependent kinase like 5; plus strand). Cytogenetic location: Xp22.13.
Variant type: single nucleotide variant.
Coding change: c.65-13C>T on transcript NM_001323289.2 (MANE Select); 13 bases into the intron before coding-DNA position 65, C replaced by T.
Molecular consequence: intron variant.
Genome position (GRCh38, 1-based): chrX:18,510,807, C>T. VCF-style: chrX-18510807-C-T. GRCh37 (hg19) VCF-style: chrX-18528927-C-T.
Other names: c.65-13C>T (NM_003159.3, NM_001037343.2).
Identifiers: ClinVar variation 509008 (VCV000509008.10), dbSNP rs532222548, ClinGen allele CA327359170.
Genomic context (GRCh38, chrX:18,510,807, plus strand): 5'-GAAGCAATGTCAGTATAGCAGAGCTTTGTAGTTTGTATGCGTGCCCTTGATTGTTTACTT[C>T]TTTTTATTATAGGAGCCTATGGAGTTGTACTTAAATGCAGACACAAGGCAAGTACATTAT-3'